The following is an entry in ClinVar:

NM_015058.2(VWA8):c.4210G>A (p.Gly1404Arg)

Gene: VWA8 (von Willebrand factor A domain containing 8; minus strand). Cytogenetic location: 13q14.11.
Variant type: single nucleotide variant.
Coding change: c.4210G>A on transcript NM_015058.2 (MANE Select); coding-DNA position 4210, G replaced by A.
Protein change: p.Gly1404Arg; replaces glycine 1404 with arginine.
Molecular consequence: missense variant.
Genome position (GRCh38, 1-based): chr13:41,685,164, C>T on the plus strand (G>A on the coding strand, the complement: VWA8 is on the minus strand). VCF-style: chr13-41685164-C-T. GRCh37 (hg19) VCF-style: chr13-42259300-C-T.
Other names: short protein forms G1404R.
Identifiers: ClinVar variation 4852262 (VCV004852262.1).

ClinVar aggregate classification (germline): Likely benign (1 of 4 stars; one submission).

Conditions:
Retinitis pigmentosa 97 (RP97). Identifiers: MedGen C5830579, MONDO:0957314, OMIM 620422.

gnomAD v4.1: 87 of 1,613,418 alleles (0.0054%); highest among the groups gnomAD compares: African/African-American, 0.087%; no homozygotes.

Submission:

Centre for Medical Genetics,  Mumbai
Classification: Likely benign for Retinitis pigmentosa 97. Last evaluated: 2026-04-27. Review status: criteria provided, single submitter. Criteria: ACMG Guidelines, 2015. Collection method: provider interpretation. Allele origin: germline. Inheritance: Autosomal dominant inheritance. Affected: no. Observed: 1 variant allele, 1 heterozygote.
Comment: The variant satisfies PM2 criteria - extremely low frequency in gnomAD population databases. The variant satisfies BP4 criteria - for a missense or a splice region variant, computational prediction tools unanimously support a benign effect on the gene. However, the variant satisfies BS2 criteria - present in heterozygous state in an individual that clinically does not have retinitis pigmentosa.

Literature cited by the submitters: PubMed 37012052.